The following is an entry in ClinVar:

ClinVar aggregate classification (germline): Uncertain significance. Review status: criteria provided, multiple submitters, no conflicts (2 of 4 stars). 4 submissions from 4 submitters: Uncertain significance (4). Last evaluated 2025-12-22.

Conditions:
Inborn genetic diseases. Identifiers: MedGen C0950123, MeSH D030342.
Perlman syndrome (PRLMNS). Identifiers: Orphanet 2849, MedGen C0796113, MONDO:0009965, OMIM 267000.

Allele frequency attached by ClinVar (database versions not stated): gnomAD exomes 0.00002 and 0.00004; gnomAD 0.00003 and 0.00004; TOPMed 0.00003; ExAC 0.00004; ESP Exome Variant Server 0.00008.
gnomAD v4.1: 33 of 1,612,780 alleles (0.002%); highest among the groups gnomAD compares: East Asian, 0.0045%; no homozygotes.

Submissions (4):

Labcorp Genetics (formerly Invitae), Labcorp
Classification: Uncertain significance for Perlman syndrome. Last evaluated: 2025-12-22. Review status: criteria provided, single submitter. Criteria: Invitae Variant Classification Sherloc (09022015). Collection method: clinical testing. Allele origin: germline.
Comment: This sequence change replaces arginine, which is basic and polar, with tryptophan, which is neutral and slightly polar, at codon 687 of the DIS3L2 protein (p.Arg687Trp). This variant is present in population databases (rs372762400, gnomAD 0.01%). This variant has not been reported in the literature in individuals affected with DIS3L2-related conditions. ClinVar contains an entry for this variant (Variation ID: 531945). Invitae Evidence Modeling of protein sequence and biophysical properties (such as structural, functional, and spatial information, amino acid conservation, physicochemical variation, residue mobility, and thermodynamic stability) indicates that this missense variant is not expected to disrupt DIS3L2 protein function with a negative predictive value of 80%. In summary, the available evidence is currently insufficient to determine the role of this variant in disease. Therefore, it has been classified as a Variant of Uncertain Significance.

Ambry Genetics
Classification: Uncertain significance for Inborn genetic diseases. Last evaluated: 2025-08-30. Review status: criteria provided, single submitter. Criteria: Ambry Variant Classification Scheme 2023. Collection method: clinical testing. Allele origin: germline.

Fulgent Genetics
Classification: Uncertain significance for Perlman syndrome. Last evaluated: 2021-09-02. Review status: criteria provided, single submitter. Criteria: ACMG Guidelines, 2015. Collection method: clinical testing. Allele origin: unknown.

Breakthrough Genomics
Classification: Uncertain significance. Review status: criteria provided, single submitter. Criteria: ACMG Guidelines, 2015. Collection method: not provided. Allele origin: germline. Inheritance: Autosomal recessive inheritance. Affected: yes.

NM_152383.5(DIS3L2):c.2059C>T (p.Arg687Trp)

Gene: DIS3L2 (DIS3 like 3'-5' exoribonuclease 2; plus strand). Cytogenetic location: 2q37.1.
Variant type: single nucleotide variant.
Coding change: c.2059C>T on transcript NM_152383.5 (MANE Select); coding-DNA position 2059, C replaced by T.
Protein change: p.Arg687Trp; replaces arginine 687 with tryptophan.
Molecular consequence: missense variant. On other transcripts: non-coding transcript variant (2), intron variant (1).
Genome position (GRCh38, 1-based): chr2:232,333,888, C>T. VCF-style: chr2-232333888-C-T. GRCh37 (hg19) VCF-style: chr2-233198598-C-T.
Other names: c.1582-9457C>T (NM_001257281.2); short protein forms R687W.
Identifiers: ClinVar variation 531945 (VCV000531945.12), dbSNP rs372762400, ClinGen allele CA2164385.
Genomic context (GRCh38, chr2:232,333,888, plus strand): 5'-CCCGTCCCGCAGATGGCACTGTACTTCTGCTCGGGGCTGCTGCAGGACCCAGCGCAGTTC[C>T]GGCACTACGCGCTCAATGTGCCCCTGTACACACACTTCACCTCGCCCATCCGCCGCTTTG-3'
Protein context (NP_689596.4, residues 677-697): SGLLQDPAQF[Arg687Trp]HYALNVPLYT